The following is an entry in ClinVar:

ClinVar aggregate classification (germline): Uncertain significance (1 of 4 stars; one submission).

Submission:

Greenwood Genetic Center Diagnostic Laboratories, Greenwood Genetic Center
Classification: Uncertain significance. Last evaluated: 2026-06-18. Review status: criteria provided, single submitter. Criteria: ACMG Guidelines, 2015. Collection method: clinical testing. Allele origin: germline.
Comment: PM2

NM_030948.6(PHACTR1):c.677del (p.Pro226fs)

Gene: PHACTR1 (phosphatase and actin regulator 1; plus strand). Cytogenetic location: 6p24.1.
Variant type: Deletion.
Coding change: c.677del on transcript NM_030948.6 (MANE Select); coding-DNA position 677, one base deleted (C; older notation c.677delC).
Protein change: p.Pro226fs; shifts the reading frame from proline 226.
Molecular consequence: frameshift variant.
Genome position (GRCh38, 1-based): chr6:13,205,827, C deleted; the last of 4 consecutive C bases (chr6:13,205,824-13,205,827); deleting any one gives the same sequence. VCF-style (leftmost placement, unchanged base first): chr6-13205823-GC-G. GRCh37 (hg19) VCF-style: chr6-13206055-GC-G.
Other names: c.677del, p.Pro226fs (NM_001242648.4, NM_001322308.3, NM_001322309.3 and 1 more transcripts); c.884del, p.Pro295fs (NM_001322310.2, NM_001374582.1); c.401del, p.Pro134fs (NM_001322311.2, NM_001322312.3, NM_001374583.2); c.608del, p.Pro203fs (NM_001322313.2); c.887del, p.Pro296fs (NM_001322314.4); short protein forms P134fs, P203fs, P226fs, P295fs, P296fs.
Identifiers: ClinVar variation 4891165 (VCV004891165.1).
Genomic context (GRCh38, chr6:13,205,823, plus strand): 5'-TCTTCTGATGCCCCCAAACTCACATCTGCCTCTCGCCCTCTTTCTGCCACAGATCCTGGC[GC>G]CCCTGTGAAATTGCCTTGTCTGCCAGTGAAACTGTCGCCTCCGCTACCTCCAAAGAAAGT-3'